The following is an entry in ClinVar:

ClinVar aggregate classification (germline): Uncertain significance. Review status: criteria provided, multiple submitters, no conflicts (2 of 4 stars). 3 submissions from 3 submitters: Uncertain significance (3). Last evaluated 2025-11-02.

Conditions:
Combined immunodeficiency due to LRBA deficiency. Also called: Common variable immunodeficiency 8, with autoimmunity. Identifiers: Orphanet 445018, MedGen C3553512, MONDO:0013863, OMIM 614700.
Inborn genetic diseases. Identifiers: MedGen C0950123, MeSH D030342.

Allele frequency attached by ClinVar (database versions not stated): TOPMed 0.00002; gnomAD exomes 0.00004.
gnomAD v4.1: 55 of 1,609,558 alleles (0.0034%); highest among the groups gnomAD compares: Non-Finnish European, 0.0044%; no homozygotes.

Submissions (3):

Ambry Genetics
Classification: Uncertain significance for Inborn genetic diseases. Last evaluated: 2025-11-02. Review status: criteria provided, single submitter. Criteria: Ambry Variant Classification Scheme 2023. Collection method: clinical testing. Allele origin: germline.

Labcorp Genetics (formerly Invitae), Labcorp
Classification: Uncertain significance for Combined immunodeficiency due to LRBA deficiency. Last evaluated: 2021-08-26. Review status: criteria provided, single submitter. Criteria: Invitae Variant Classification Sherloc (09022015). Collection method: clinical testing. Allele origin: germline.
Comment: This sequence change replaces arginine with glutamine at codon 2214 of the LRBA protein (p.Arg2214Gln). The arginine residue is moderately conserved and there is a small physicochemical difference between arginine and glutamine. This variant is present in population databases (rs771140734, ExAC 0.002%). This variant has not been reported in the literature in individuals affected with LRBA-related conditions. Algorithms developed to predict the effect of missense changes on protein structure and function are either unavailable or do not agree on the potential impact of this missense change (SIFT: "Tolerated"; PolyPhen-2: "Probably Damaging"; Align-GVGD: "Class C0"). In summary, the available evidence is currently insufficient to determine the role of this variant in disease. Therefore, it has been classified as a Variant of Uncertain Significance.

Blueprint Genetics
Classification: Uncertain significance. Last evaluated: 2021-06-24. Review status: criteria provided, single submitter. Criteria: ACMG Guidelines, 2015. Collection method: clinical testing. Allele origin: germline.

NM_001364905.1(LRBA):c.6608G>A (p.Arg2203Gln)

Gene: LRBA (LPS responsive beige-like anchor protein; minus strand). Cytogenetic location: 4q31.3.
Variant type: single nucleotide variant.
Coding change: c.6608G>A on transcript NM_001364905.1 (MANE Select); coding-DNA position 6608, G replaced by A.
Protein change: p.Arg2203Gln; replaces arginine 2203 with glutamine.
Molecular consequence: missense variant.
Genome position (GRCh38, 1-based): chr4:150,471,683, C>T on the plus strand (G>A on the coding strand, the complement: LRBA is on the minus strand). VCF-style: chr4-150471683-C-T. GRCh37 (hg19) VCF-style: chr4-151392835-C-T.
Other names: c.6608G>A, p.Arg2203Gln (NM_001199282.3, NM_001367550.1); c.6641G>A, p.Arg2214Gln (NM_006726.5); short protein forms R2203Q, R2214Q.
Identifiers: ClinVar variation 660775 (VCV000660775.10), dbSNP rs771140734, ClinGen allele CA3101866.
Genomic context (GRCh38, chr4:150,471,683, plus strand): 5'-CCTGCTATCGTGTTGAGAAACATCAAGTACTCAAAATTAGATATCTCTCTGTGTTGCCAT[C>T]GCTGGGTCATATTAGAAGCCTTAAAAAGCTGACGTGGACTAGCTAATGAAATACGTCTGC-3'
Protein context (NP_001351834.1, residues 2193-2213): QLFKASNMTQ[Arg2203Gln]WQHREISNFE